The following is an entry in ClinVar:

NM_152415.3(VPS37A):c.449A>T (p.Tyr150Phe)

Gene: VPS37A (VPS37A subunit of ESCRT-I; plus strand). Cytogenetic location: 8p22.
Variant type: single nucleotide variant.
Coding change: c.449A>T on transcript NM_152415.3 (MANE Select); coding-DNA position 449, A replaced by T.
Protein change: p.Tyr150Phe; replaces tyrosine 150 with phenylalanine.
Molecular consequence: missense variant.
Genome position (GRCh38, 1-based): chr8:17,274,765, A>T. VCF-style: chr8-17274765-A-T. GRCh37 (hg19) VCF-style: chr8-17132274-A-T.
Other names: p.Tyr150Phe; c.374A>T, p.Tyr125Phe (NM_001145152.2); c.449A>T, p.Tyr150Phe (NM_001363167.1, NM_001363173.2); c.179A>T, p.Tyr60Phe (NM_001363168.1, NM_001363169.1, NM_001363170.1 and 2 more transcripts); short protein forms Y125F, Y150F, Y60F.
Identifiers: ClinVar variation 2683002 (VCV002683002.1), dbSNP rs748354857, ClinGen allele CA4643331.
Genomic context (GRCh38, chr8:17,274,765, plus strand): 5'-TGTAATGATCTTCTCTTTTTCTTTTCAGTCTATACAGTAACCCAAGTGGGATGTCTCCTT[A>T]TGCTTCTCAGGGTTTTCCATTTCTTCCTCCATATCCTCCACAAGAAGCAAACAGGAGTAT-3'
Protein context (NP_689628.2, residues 140-160): LYSNPSGMSP[Tyr150Phe]ASQGFPFLPP

ClinVar aggregate classification (germline): Uncertain significance (1 of 4 stars; one submission).

Allele frequency attached by ClinVar (database versions not stated): ExAC 0.00001.
gnomAD v4.1: 9 of 1,614,058 alleles (0.00056%); highest among the groups gnomAD compares: African/African-American, 0.0013%; no homozygotes.

Submission:

Mayo Clinic Laboratories, Mayo Clinic
Classification: Uncertain significance. Last evaluated: 2022-07-21. Review status: criteria provided, single submitter. Criteria: ACMG Guidelines, 2015. Collection method: clinical testing. Allele origin: germline. Observed: 1 variant allele.
Comment: BP4